The following is an entry in ClinVar:

NM_004621.6(TRPC6):c.2724C>A (p.Asp908Glu)

Gene: TRPC6 (transient receptor potential cation channel subfamily C member 6; minus strand). Cytogenetic location: 11q22.1.
Variant type: single nucleotide variant.
Coding change: c.2724C>A on transcript NM_004621.6 (MANE Select); coding-DNA position 2724, C replaced by A.
Protein change: p.Asp908Glu; replaces aspartic acid 908 with glutamic acid.
Molecular consequence: missense variant.
Genome position (GRCh38, 1-based): chr11:101,453,027, G>T on the plus strand (C>A on the coding strand, the complement: TRPC6 is on the minus strand). VCF-style: chr11-101453027-G-T. GRCh37 (hg19) VCF-style: chr11-101323758-G-T.
Other names: c.2376C>A, p.Asp792Glu (NM_001439335.1); short protein forms D908E, D792E.
Identifiers: ClinVar variation 4693420 (VCV004693420.1).
Genomic context (GRCh38, chr11:101,453,027, plus strand): 5'-TTCCTCTTGATTTGGTTCCATGGATAATTTCTCTCCAAGTTCTCTAATAAGTTCTGCTAG[G>T]TCTTCTGTATTCTGAGATTTTTCTTCAAGGAGTTCATAGCGGAGACTTGAGATGTCCTGC-3'
Protein context (NP_004612.2, residues 898-918): LLEEKSQNTE[Asp908Glu]LAELIRELGE

ClinVar aggregate classification (germline): Uncertain significance (1 of 4 stars; one submission).

gnomAD v4.1: 1 of 1,613,730 alleles (0.000062%); highest among the groups gnomAD compares: Admixed American, 0.0017%; no homozygotes.

Submission:

Labcorp Genetics (formerly Invitae), Labcorp
Classification: Uncertain significance. Last evaluated: 2025-03-16. Review status: criteria provided, single submitter. Criteria: Invitae Variant Classification Sherloc (09022015). Collection method: clinical testing. Allele origin: germline.
Comment: This sequence change replaces aspartic acid, which is acidic and polar, with glutamic acid, which is acidic and polar, at codon 908 of the TRPC6 protein (p.Asp908Glu). This variant is not present in population databases (gnomAD no frequency). This variant has not been reported in the literature in individuals affected with TRPC6-related conditions. Invitae Evidence Modeling of protein sequence and biophysical properties (such as structural, functional, and spatial information, amino acid conservation, physicochemical variation, residue mobility, and thermodynamic stability) indicates that this missense variant is not expected to disrupt TRPC6 protein function with a negative predictive value of 95%. In summary, the available evidence is currently insufficient to determine the role of this variant in disease. Therefore, it has been classified as a Variant of Uncertain Significance.